The following is an entry in ClinVar:

ClinVar aggregate classification (germline): Conflicting classifications of pathogenicity. Review status: criteria provided, conflicting classifications (1 of 4 stars). 3 submissions from 3 submitters: Pathogenic (1); Likely pathogenic (1); Uncertain significance (1). Last evaluated 2026-09-01.

Conditions:
Autosomal recessive limb-girdle muscular dystrophy type 2J (LGMDR10). Also called: Limb-girdle muscular dystrophy, type 2J; MUSCULAR DYSTROPHY, LIMB-GIRDLE, AUTOSOMAL RECESSIVE 10. Identifiers: Orphanet 140922, MedGen C1837342, MONDO:0012127, OMIM 608807.
Dilated cardiomyopathy 1G (CMD1G). Identifiers: Orphanet 154, MedGen C1858763, MONDO:0011400, OMIM 604145.
Cardiovascular phenotype. Identifiers: MedGen CN230736.

gnomAD v4.1: 2 of 1,587,278 alleles (0.00013%); highest among the groups gnomAD compares: Non-Finnish European, 0.00017%; no homozygotes.

Submissions (3):

Ambry Genetics
Classification: Likely pathogenic for Cardiovascular phenotype. Last evaluated: 2026-09-01. Review status: criteria provided, single submitter. Criteria: Ambry Variant Classification Scheme 2023. Collection method: clinical testing. Allele origin: germline.
Comment: The c.79336G>A variant (also known as p.A26446T), located in coding exon 186 of the TTN gene, results from a G to A substitution at nucleotide position 79336. The amino acid change results in alanine to threonine at codon 26446, an amino acid with similar properties. This exon is located in the M-band region of the N2-B isoform of the titin protein and is constitutively expressed in TTN transcripts (percent spliced in or PSI 100%). This variant has been identified in the homozygous state and/or in conjunction with other TTN variant(s) in individual(s) with features consistent with TTN-related myopathy (external communication). This variant is considered to be rare based on population cohorts in the Genome Aggregation Database (gnomAD). This nucleotide position is highly conserved in available vertebrate species. This amino acid position is well conserved in available vertebrate species. In silico splice site analysis predicts that this alteration will weaken the native splice donor site. In addition, as a missense substitution this alteration is predicted to be tolerated by in silico analysis. However, this change occurs in the last base pair of coding exon 186, which makes it likely to have some effect on normal mRNA splicing. While truncating variants (a category that includes variants that impact the last nucleotide) in TTN are present in 1-3% of the general population, truncating variants in the M-band have been reported in association with autosomal recessive titinopathies, primarily presenting with skeletal myopathy phenotypes (Ceyhan-Birsoy O et al. Neurology. 2013 Oct 1;81(14):1205-14; De Cid R et al. Neurology. 2015;85(24):2126-35). Truncating variants in coding exon 185 of the M-band of the N2-B isoform have also been specifically associated with autosomal dominant dilated cardiomyopathy (Vatta M et al. Circ GenomPrecis Med. 2025 Feb:e004982). More generally, TTN truncating variants encoded in constitutive exons (PSI >90%) have been found to be significantly associated with dilated cardiomyopathy (DCM) regardless of their position, although truncating variants in the A-band are the most common cause of DCM (Herman DS et al. N. Engl. J. Med., 2012 Feb;366:619-28; Roberts AM et al. Sci Transl Med, 2015 Jan;7:270ra6; Schafer S et al. Nat. Genet., 2017 01;49:46-53; Akhtar MM et al. Circ Heart Fail, 2020 Oct;13:e006832; Massier M et al. Clin Genet, 2025 Jan). Based on the majority of available evidence to date, this variant is likely to be pathogenic in association with autosomal recessive titinopathy; however, the clinical significance of this variant with respect to cardiomyopathy remains unclear.

Revvity Omics, Revvity
Classification: Uncertain significance. Last evaluated: 2024-12-20. Review status: criteria provided, single submitter. Criteria: ACMG Guidelines, 2015. Collection method: clinical testing. Allele origin: germline.

Labcorp Genetics (formerly Invitae), Labcorp
Classification: Pathogenic for Dilated cardiomyopathy 1G; Autosomal recessive limb-girdle muscular dystrophy type 2J. Last evaluated: 2024-10-07. Review status: criteria provided, single submitter. Criteria: Invitae Variant Classification Sherloc (09022015). Collection method: clinical testing. Allele origin: germline.
Comment: This sequence change replaces alanine, which is neutral and non-polar, with threonine, which is neutral and polar, at codon 35511 of the TTN protein (p.Ala35511Thr). This variant also falls at the last nucleotide of exon 359, which is part of the consensus splice site for this exon. This variant is present in population databases (rs768786354, gnomAD 0.0009%). This missense change has been observed in individual(s) with clinical features of autosomal recessive TTN-related neuromuscular conditions (internal data). In at least one individual the data is consistent with being in trans (on the opposite chromosome) from a pathogenic variant. ClinVar contains an entry for this variant (Variation ID: 571263). Experimental studies and prediction algorithms are not available or were not evaluated, and the functional significance of this variant is currently unknown. Variants that disrupt the consensus splice site are a relatively common cause of aberrant splicing (PMID: 17576681, 9536098). Algorithms developed to predict the effect of sequence changes on RNA splicing suggest that this variant may disrupt the consensus splice site. This variant is located in the M band of TTN (PMID: 25589632). Non-truncating variants in this region may be relevant for neuromuscular disorders, but have not been definitively shown to cause cardiomyopathy (PMID: 23975875). For these reasons, this variant has been classified as Pathogenic.

Literature cited by the submitters: PubMed 17576681 (cited by Labcorp Genetics (formerly Invitae), Labcorp); PubMed 9536098 (cited by Labcorp Genetics (formerly Invitae), Labcorp); PubMed 25589632 (cited by Labcorp Genetics (formerly Invitae), Labcorp); PubMed 23975875 (cited by Labcorp Genetics (formerly Invitae), Labcorp).

NM_001267550.2(TTN):c.106531G>A (p.Ala35511Thr)

Genes: TTN (titin; minus strand), TTN-AS1 (TTN antisense RNA 1; plus strand). Cytogenetic location: 2q31.2.
Variant type: single nucleotide variant.
Coding change: c.106531G>A on transcript NM_001267550.2 (MANE Select); coding-DNA position 106531, G replaced by A.
Protein change: p.Ala35511Thr; replaces alanine 35511 with threonine.
Molecular consequence: missense variant.
Genome position (GRCh38, 1-based): chr2:178,529,960, C>T on the plus strand (G>A on the coding strand, the complement: TTN is on the minus strand). VCF-style: chr2-178529960-C-T. GRCh37 (hg19) VCF-style: chr2-179394687-C-T.
Other names: c.101608G>A, p.Ala33870Thr (NM_001256850.1); c.79336G>A, p.Ala26446Thr (NM_003319.4); c.98827G>A, p.Ala32943Thr (NM_133378.4); c.79711G>A, p.Ala26571Thr (NM_133432.3); c.79912G>A, p.Ala26638Thr (NM_133437.4); short protein forms A35511T, A26638T, A33870T, A26571T, A32943T, A26446T.
Identifiers: ClinVar variation 571263 (VCV000571263.13), dbSNP rs768786354, ClinGen allele CA1985094.